The following is an entry in ClinVar:

NM_004999.4(MYO6):c.3200A>C (p.Lys1067Thr)

Gene: MYO6 (myosin VI; plus strand). Cytogenetic location: 6q14.1.
Variant type: single nucleotide variant.
Coding change: c.3200A>C on transcript NM_004999.4 (MANE Select); coding-DNA position 3200, A replaced by C.
Protein change: p.Lys1067Thr; replaces lysine 1067 with threonine.
Molecular consequence: missense variant. On other transcripts: non-coding transcript variant (1).
Genome position (GRCh38, 1-based): chr6:75,907,628, A>C. VCF-style: chr6-75907628-A-C. GRCh37 (hg19) VCF-style: chr6-76617345-A-C.
Other names: c.3131A>C, p.Lys1044Thr (NM_001300899.2, NM_001368136.1); c.3188A>C, p.Lys1063Thr (NM_001368137.1); c.3116A>C, p.Lys1039Thr (NM_001368138.1); c.3227A>C, p.Lys1076Thr (NM_001368865.1, NM_001368866.1); short protein forms K1039T, K1076T, K1044T, K1063T, K1067T.
Identifiers: ClinVar variation 2811990 (VCV002811990.3), dbSNP rs759525458, ClinGen allele CA364779469.
Genomic context (GRCh38, chr6:75,907,628, plus strand): 5'-TCTGGTTTAAACATGCAAAAATGTGTAATAATTACAGAGGTCCTGCTGTACTAGCCACCA[A>C]AGCAGCTGCTGGTACTAAGAAATATGATCTTAGTAAATGGAAATATGCAGAACTACGTGA-3'
Protein context (NP_004990.3, residues 1057-1077): LSRGPAVLAT[Lys1067Thr]AAAGTKKYDL

ClinVar aggregate classification (germline): Uncertain significance (1 of 4 stars; one submission).

Submission:

Labcorp Genetics (formerly Invitae), Labcorp
Classification: Uncertain significance. Last evaluated: 2022-11-04. Review status: criteria provided, single submitter. Criteria: Invitae Variant Classification Sherloc (09022015). Collection method: clinical testing. Allele origin: germline.
Comment: In summary, the available evidence is currently insufficient to determine the role of this variant in disease. Therefore, it has been classified as a Variant of Uncertain Significance. Advanced modeling of protein sequence and biophysical properties (such as structural, functional, and spatial information, amino acid conservation, physicochemical variation, residue mobility, and thermodynamic stability) performed at Invitae indicates that this missense variant is not expected to disrupt MYO6 protein function. This variant has not been reported in the literature in individuals affected with MYO6-related conditions. This variant is not present in population databases (gnomAD no frequency). This sequence change replaces lysine, which is basic and polar, with threonine, which is neutral and polar, at codon 1067 of the MYO6 protein (p.Lys1067Thr).